The following is an entry in ClinVar:

ClinVar aggregate classification (germline): Uncertain significance. Review status: criteria provided, single submitter (1 of 4 stars). 2 submissions from 2 submitters: Uncertain significance (1). 1 of the submissions does not count toward it. Last evaluated 2021-12-02.

Conditions:
Oocyte/zygote/embryo maturation arrest 17 (OZEMA17). Identifiers: MedGen C5830418, MONDO:0957220, OMIM 620319.

Allele frequency attached by ClinVar (database versions not stated): gnomAD 0.00003; TOPMed 0.00007.
gnomAD v4.1: 56 of 1,551,474 alleles (0.0036%); highest among the groups gnomAD compares: Non-Finnish European, 0.004%; no homozygotes.

Submissions (2):

Labcorp Genetics (formerly Invitae), Labcorp
Classification: Uncertain significance. Last evaluated: 2021-12-02. Review status: criteria provided, single submitter. Criteria: Invitae Variant Classification Sherloc (09022015). Collection method: clinical testing. Allele origin: germline.
Comment: This sequence change replaces valine, which is neutral and non-polar, with methionine, which is neutral and non-polar, at codon 152 of the KPNA7 protein (p.Val152Met). This variant is present in population databases (no rsID available, gnomAD 0.008%). This variant has not been reported in the literature in individuals affected with KPNA7-related conditions. ClinVar contains an entry for this variant (Variation ID: 659082). Algorithms developed to predict the effect of missense changes on protein structure and function are either unavailable or do not agree on the potential impact of this missense change (SIFT: "Deleterious"; PolyPhen-2: "Probably Damaging"; Align-GVGD: "Class C0"). In summary, the available evidence is currently insufficient to determine the role of this variant in disease. Therefore, it has been classified as a Variant of Uncertain Significance.

OMIM
Classification: Pathogenic for OOCYTE/ZYGOTE/EMBRYO MATURATION ARREST 17. Last evaluated: 2023-04-10. Review status: no assertion criteria provided. Collection method: literature only. Allele origin: germline. Not counted in ClinVar's aggregate classification.

Literature cited by the submitters: PubMed 36647821 (cited by OMIM).

NM_001145715.3(KPNA7):c.454G>A (p.Val152Met)

Gene: KPNA7 (karyopherin subunit alpha 7; minus strand). Cytogenetic location: 7q22.1.
Variant type: single nucleotide variant.
Coding change: c.454G>A on transcript NM_001145715.3 (MANE Select); coding-DNA position 454, G replaced by A.
Protein change: p.Val152Met; replaces valine 152 with methionine.
Molecular consequence: missense variant.
Genome position (GRCh38, 1-based): chr7:99,195,169, C>T on the plus strand (G>A on the coding strand, the complement: KPNA7 is on the minus strand). VCF-style: chr7-99195169-C-T. GRCh37 (hg19) VCF-style: chr7-98792792-C-T.
Other names: short protein forms V152M.
Identifiers: ClinVar variation 659082 (VCV000659082.7), dbSNP rs1045902211, ClinGen allele CA163746629.